The following is an entry in ClinVar:

NC_000015.10:g.84817210G>C

Gene: ALPK3 (alpha kinase 3; plus strand). Cytogenetic location: 15q25.3.
Variant type: single nucleotide variant.
Genome position: GRCh38 VCF-style: chr15-84817210-G-C. GRCh37 (hg19) VCF-style: chr15-85360441-G-C.
Identifiers: ClinVar variation 2092956 (VCV002092956.4), dbSNP rs1319380812, ClinGen allele CA393368762.

ClinVar aggregate classification (germline): Uncertain significance (1 of 4 stars; one submission).

Submission:

Labcorp Genetics (formerly Invitae), Labcorp
Classification: Uncertain significance. Last evaluated: 2022-03-20. Review status: criteria provided, single submitter. Criteria: Invitae Variant Classification Sherloc (09022015). Collection method: clinical testing. Allele origin: germline.
Comment: In summary, the available evidence is currently insufficient to determine the role of this variant in disease. Therefore, it has been classified as a Variant of Uncertain Significance. Algorithms developed to predict the effect of missense changes on protein structure and function are either unavailable or do not agree on the potential impact of this missense change (SIFT: "Deleterious"; PolyPhen-2: "Benign"; Align-GVGD: "Class C0"). This variant has not been reported in the literature in individuals affected with ALPK3-related conditions. This variant is not present in population databases (gnomAD no frequency). This sequence change replaces glycine, which is neutral and non-polar, with arginine, which is basic and polar, at codon 122 of the ALPK3 protein (p.Gly122Arg).